The following is an entry in ClinVar:

ClinVar aggregate classification (germline): Uncertain significance. Review status: criteria provided, multiple submitters, no conflicts (2 of 4 stars). 2 submissions from 2 submitters: Uncertain significance (2). Last evaluated 2023-12-19.

Conditions:
Cerebral cavernous malformation (CCM). Also called: Cerebral cavernous hemangioma (type); CAVERNOUS ANGIOMA, FAMILIAL; CAVERNOUS ANGIOMATOUS MALFORMATIONS; CEREBRAL CAPILLARY MALFORMATIONS; Cavernous Hemangioma of Brain; Cerebral cavernous malformations. Identifiers: Orphanet 221061, MedGen C2919945, MONDO:0000820, OMIM 116860, HP:0033522.

gnomAD v4.1: 1 of 1,613,606 alleles (0.000062%); highest among the groups gnomAD compares: South Asian, 0.0011%; no homozygotes.

Submissions (2):

Labcorp Genetics (formerly Invitae), Labcorp
Classification: Uncertain significance for Cerebral cavernous malformation. Last evaluated: 2023-12-19. Review status: criteria provided, single submitter. Criteria: Invitae Variant Classification Sherloc (09022015). Collection method: clinical testing. Allele origin: germline.
Comment: This sequence change replaces alanine, which is neutral and non-polar, with threonine, which is neutral and polar, at codon 648 of the KRIT1 protein (p.Ala648Thr). This variant is not present in population databases (gnomAD no frequency). This variant has not been reported in the literature in individuals affected with KRIT1-related conditions. ClinVar contains an entry for this variant (Variation ID: 2582664). Advanced modeling of protein sequence and biophysical properties (such as structural, functional, and spatial information, amino acid conservation, physicochemical variation, residue mobility, and thermodynamic stability) performed at Invitae indicates that this missense variant is not expected to disrupt KRIT1 protein function with a negative predictive value of 80%. In summary, the available evidence is currently insufficient to determine the role of this variant in disease. Therefore, it has been classified as a Variant of Uncertain Significance.

Baylor Genetics
Classification: Uncertain significance for Cerebral cavernous malformation. Last evaluated: 2023-05-03. Review status: criteria provided, single submitter. Criteria: ACMG Guidelines, 2015. Collection method: clinical testing. Allele origin: unknown.

NM_194454.3(KRIT1):c.1942G>A (p.Ala648Thr)

Gene: KRIT1 (KRIT1 ankyrin repeat containing; minus strand). Cytogenetic location: 7q21.2.
Variant type: single nucleotide variant.
Coding change: c.1942G>A on transcript NM_194454.3 (MANE Select); coding-DNA position 1942, G replaced by A.
Protein change: p.Ala648Thr; replaces alanine 648 with threonine.
Molecular consequence: missense variant.
Genome position (GRCh38, 1-based): chr7:92,213,278, C>T on the plus strand (G>A on the coding strand, the complement: KRIT1 is on the minus strand). VCF-style: chr7-92213278-C-T. GRCh37 (hg19) VCF-style: chr7-91842592-C-T.
Other names: c.1798G>A, p.Ala600Thr (NM_001013406.2, NM_001350669.1, NM_001350670.1); c.1228G>A, p.Ala410Thr (NM_001350671.1); c.1942G>A, p.Ala648Thr (NM_001350672.1, NM_001350673.1, NM_001350674.1 and 26 more transcripts); short protein forms A410T, A600T, A648T.
Identifiers: ClinVar variation 2582664 (VCV002582664.4), dbSNP rs1793279371, ClinGen allele CA368139719.